The following is an entry in ClinVar:

ClinVar aggregate classification (germline): Uncertain significance. Review status: criteria provided, multiple submitters, no conflicts (2 of 4 stars). 2 submissions from 2 submitters: Uncertain significance (2). Last evaluated 2025-02-08.

Conditions:
Epilepsy, familial adult myoclonic, 5 (EPEO5). Also called: CORTICAL MYOCLONIC TREMOR WITH EPILEPSY, FAMILIAL, 5. Identifiers: Orphanet 86814, MedGen C3809374, MONDO:0014167, OMIM 615400.

Allele frequency attached by ClinVar (database versions not stated): gnomAD 0.00003 and 0.00004; TOPMed 0.00004; ESP Exome Variant Server 0.00008.

Submissions (2):

Ambry Genetics
Classification: Uncertain significance. Last evaluated: 2025-02-08. Review status: criteria provided, single submitter. Criteria: Ambry Variant Classification Scheme 2023. Collection method: clinical testing. Allele origin: germline.

Labcorp Genetics (formerly Invitae), Labcorp
Classification: Uncertain significance for Epilepsy, familial adult myoclonic, 5. Last evaluated: 2022-07-19. Review status: criteria provided, single submitter. Criteria: Invitae Variant Classification Sherloc (09022015). Collection method: clinical testing. Allele origin: germline.
Comment: This sequence change replaces alanine, which is neutral and non-polar, with valine, which is neutral and non-polar, at codon 230 of the CNTN2 protein (p.Ala230Val). This variant is present in population databases (rs138454536, gnomAD 0.009%). This variant has not been reported in the literature in individuals affected with CNTN2-related conditions. ClinVar contains an entry for this variant (Variation ID: 474488). Advanced modeling of protein sequence and biophysical properties (such as structural, functional, and spatial information, amino acid conservation, physicochemical variation, residue mobility, and thermodynamic stability) performed at Invitae indicates that this missense variant is not expected to disrupt CNTN2 protein function. In summary, the available evidence is currently insufficient to determine the role of this variant in disease. Therefore, it has been classified as a Variant of Uncertain Significance.

NM_005076.5(CNTN2):c.689C>T (p.Ala230Val)

Gene: CNTN2 (contactin 2; plus strand). Cytogenetic location: 1q32.1.
Variant type: single nucleotide variant.
Coding change: c.689C>T on transcript NM_005076.5 (MANE Select); coding-DNA position 689, C replaced by T.
Protein change: p.Ala230Val; replaces alanine 230 with valine.
Molecular consequence: missense variant. On other transcripts: non-coding transcript variant (1).
Genome position (GRCh38, 1-based): chr1:205,059,285, C>T. VCF-style: chr1-205059285-C-T. GRCh37 (hg19) VCF-style: chr1-205028413-C-T.
Other names: c.689C>T, p.Ala230Val (NM_001346083.2); short protein forms A230V.
Identifiers: ClinVar variation 474488 (VCV000474488.7), dbSNP rs138454536, ClinGen allele CA1351107.